The following is an entry in ClinVar:

NM_001292063.2(OTOG):c.554C>T (p.Pro185Leu)

Gene: OTOG (otogelin; plus strand). Cytogenetic location: 11p15.1.
Variant type: single nucleotide variant.
Coding change: c.554C>T on transcript NM_001292063.2 (MANE Select); coding-DNA position 554, C replaced by T.
Protein change: p.Pro185Leu; replaces proline 185 with leucine.
Molecular consequence: missense variant.
Genome position (GRCh38, 1-based): chr11:17,555,792, C>T. VCF-style: chr11-17555792-C-T. GRCh37 (hg19) VCF-style: chr11-17577339-C-T.
Other names: c.590C>T, p.Pro197Leu (NM_001277269.2); short protein forms P185L, P197L.
Identifiers: ClinVar variation 3340790 (VCV003340790.1).

ClinVar aggregate classification (germline): Uncertain significance (1 of 4 stars; one submission).

Submission:

GeneDx
Classification: Uncertain significance. Last evaluated: 2024-01-02. Review status: criteria provided, single submitter. Criteria: GeneDx Variant Classification Process June 2021. Collection method: clinical testing. Allele origin: germline. Affected: yes.
Comment: In silico analysis supports that this missense variant has a deleterious effect on protein structure/function; Has not been previously published as pathogenic or benign to our knowledge